The following is an entry in ClinVar:

ClinVar aggregate classification (germline): Uncertain significance. Review status: criteria provided, multiple submitters, no conflicts (2 of 4 stars). 2 submissions from 2 submitters: Uncertain significance (2). Last evaluated 2026-02-18.

Conditions:
Hereditary cancer-predisposing syndrome. Also called: Neoplastic Syndromes, Hereditary; Hereditary Cancer Syndrome; Tumor predisposition; Hereditary neoplastic syndrome. Identifiers: Orphanet 140162, MedGen C0027672, MeSH D009386, MONDO:0015356.
Tumor predisposition syndrome 3 (TPDS3). Also called: Melanoma, cutaneous malignant, susceptibility to, 10; Glioma susceptibility 9; LONG TELOMERE SYNDROME, POT1-RELATED; POT1 Tumor Predisposition. Identifiers: Orphanet 618, MedGen C4014476, MONDO:0014368, OMIM 615848.

Submissions (2):

Ambry Genetics
Classification: Uncertain significance for Hereditary cancer-predisposing syndrome. Last evaluated: 2026-02-18. Review status: criteria provided, single submitter. Criteria: Ambry Variant Classification Scheme 2023. Collection method: clinical testing. Allele origin: germline.
Comment: The p.D155G variant (also known as c.464A>G), located in coding exon 4 of the POT1 gene, results from an A to G substitution at nucleotide position 464. The aspartic acid at codon 155 is replaced by glycine, an amino acid with similar properties. This amino acid position is well conserved in available vertebrate species. In addition, the in silico prediction for this alteration is inconclusive. Based on the available evidence, the clinical significance of this variant remains unclear.

Labcorp Genetics (formerly Invitae), Labcorp
Classification: Uncertain significance for Tumor predisposition syndrome 3. Last evaluated: 2018-07-26. Review status: criteria provided, single submitter. Criteria: Invitae Variant Classification Sherloc (09022015). Collection method: clinical testing. Allele origin: germline.
Comment: In summary, the available evidence is currently insufficient to determine the role of this variant in disease. Therefore, it has been classified as a Variant of Uncertain Significance. Algorithms developed to predict the effect of missense changes on protein structure and function (SIFT, PolyPhen-2, Align-GVGD) all suggest that this variant is likely to be tolerated, but these predictions have not been confirmed by published functional studies and their clinical significance is uncertain. This variant has not been reported in the literature in individuals with POT1-related disease. This variant is not present in population databases (ExAC no frequency). This sequence change replaces aspartic acid with glycine at codon 155 of the POT1 protein (p.Asp155Gly). The aspartic acid residue is moderately conserved and there is a moderate physicochemical difference between aspartic acid and glycine.

NM_015450.3(POT1):c.464A>G (p.Asp155Gly)

Gene: POT1 (protection of telomeres 1; minus strand). Cytogenetic location: 7q31.33.
Variant type: single nucleotide variant.
Coding change: c.464A>G on transcript NM_015450.3 (MANE Select); coding-DNA position 464, A replaced by G.
Protein change: p.Asp155Gly; replaces aspartic acid 155 with glycine.
Molecular consequence: missense variant. On other transcripts: non-coding transcript variant (3).
Genome position (GRCh38, 1-based): chr7:124,863,432, T>C on the plus strand (A>G on the coding strand, the complement: POT1 is on the minus strand). VCF-style: chr7-124863432-T-C. GRCh37 (hg19) VCF-style: chr7-124503486-T-C.
Other names: c.71A>G, p.Asp24Gly (NM_001042594.2); short protein forms D155G, D24G.
Identifiers: ClinVar variation 645906 (VCV000645906.10), dbSNP rs1584772950, ClinGen allele CA369059109.